The following is an entry in ClinVar:

ClinVar aggregate classification (germline): Uncertain significance. Review status: criteria provided, multiple submitters, no conflicts (2 of 4 stars). 2 submissions from 2 submitters: Uncertain significance (2). Last evaluated 2024-12-19.

Conditions:
Hereditary cancer-predisposing syndrome. Also called: Tumor predisposition; Hereditary Cancer Syndrome; Hereditary neoplastic syndrome; Neoplastic Syndromes, Hereditary. Identifiers: Orphanet 140162, MedGen C0027672, MeSH D009386, MONDO:0015356.

Submissions (2):

Labcorp Genetics (formerly Invitae), Labcorp
Classification: Uncertain significance. Last evaluated: 2024-12-19. Review status: criteria provided, single submitter. Criteria: Invitae Variant Classification Sherloc (09022015). Collection method: clinical testing. Allele origin: germline.
Comment: This sequence change replaces glycine, which is neutral and non-polar, with alanine, which is neutral and non-polar, at codon 226 of the HOXB13 protein (p.Gly226Ala). This variant is not present in population databases (gnomAD no frequency). This variant has not been reported in the literature in individuals affected with HOXB13-related conditions. ClinVar contains an entry for this variant (Variation ID: 1444025). Invitae Evidence Modeling of protein sequence and biophysical properties (such as structural, functional, and spatial information, amino acid conservation, physicochemical variation, residue mobility, and thermodynamic stability) indicates that this missense variant is not expected to disrupt HOXB13 protein function with a negative predictive value of 80%. In summary, the available evidence is currently insufficient to determine the role of this variant in disease. Therefore, it has been classified as a Variant of Uncertain Significance.

Ambry Genetics
Classification: Uncertain significance for Hereditary cancer-predisposing syndrome. Last evaluated: 2024-03-07. Review status: criteria provided, single submitter. Criteria: Ambry Variant Classification Scheme 2023. Collection method: clinical testing. Allele origin: germline.

NM_006361.6(HOXB13):c.677G>C (p.Gly226Ala)

Gene: HOXB13 (homeobox B13; minus strand). Cytogenetic location: 17q21.32.
Variant type: single nucleotide variant.
Coding change: c.677G>C on transcript NM_006361.6 (MANE Select); coding-DNA position 677, G replaced by C.
Protein change: p.Gly226Ala; replaces glycine 226 with alanine.
Molecular consequence: missense variant.
Genome position (GRCh38, 1-based): chr17:48,726,968, C>G on the plus strand (G>C on the coding strand, the complement: HOXB13 is on the minus strand). VCF-style: chr17-48726968-C-G. GRCh37 (hg19) VCF-style: chr17-46804330-C-G.
Other names: c.677G>C (NM_006361.5); short protein forms G226A.
Identifiers: ClinVar variation 1444025 (VCV001444025.7), dbSNP rs1597932841, ClinGen allele CA400106677.
Genomic context (GRCh38, chr17:48,726,968, plus strand): 5'-CTCTTGTCCTTGGTGATGAACTTGTTAGCCGCATACTCCCGCTCCAGCTCCCGCAACTGC[C>G]CCTTGCTGTACGGAATGCGTTTCTTGCGGCCGCGACGAAAGGCGCAGGCGTCAGGAGGGT-3'
Protein context (NP_006352.2, residues 216-236): GRKKRIPYSK[Gly226Ala]QLRELEREYA